The following is an entry in ClinVar:

ClinVar aggregate classification (germline): Uncertain significance. Review status: criteria provided, multiple submitters, no conflicts (2 of 4 stars). 2 submissions from 2 submitters: Uncertain significance (2). Last evaluated 2025-11-21.

Conditions:
Exostoses, multiple, type 2 (EXT2). Also called: EXOSTOSES, MULTIPLE, TYPE II; Hereditary Multiple Osteochondromatosis, Type II. Identifiers: Orphanet 321, MedGen C1851413, MONDO:0007586, OMIM 133701.

Allele frequency attached by ClinVar (database versions not stated): gnomAD exomes below 0.00001; gnomAD 0.00003; TOPMed 0.00003.
gnomAD v4.1: 11 of 1,613,980 alleles (0.00068%); highest among the groups gnomAD compares: African/African-American, 0.012%; no homozygotes.

Submissions (2):

Labcorp Genetics (formerly Invitae), Labcorp
Classification: Uncertain significance for Exostoses, multiple, type 2. Last evaluated: 2025-11-21. Review status: criteria provided, single submitter. Criteria: Invitae Variant Classification Sherloc (09022015). Collection method: clinical testing. Allele origin: germline.
Comment: This sequence change replaces asparagine, which is neutral and polar, with lysine, which is basic and polar, at codon 618 of the EXT2 protein (p.Asn618Lys). This variant is not present in population databases (gnomAD no frequency). This variant has not been reported in the literature in individuals affected with EXT2-related conditions. ClinVar contains an entry for this variant (Variation ID: 2675204). Invitae Evidence Modeling of protein sequence and biophysical properties (such as structural, functional, and spatial information, amino acid conservation, physicochemical variation, residue mobility, and thermodynamic stability) indicates that this missense variant is not expected to disrupt EXT2 protein function with a negative predictive value of 95%. In summary, the available evidence is currently insufficient to determine the role of this variant in disease. Therefore, it has been classified as a Variant of Uncertain Significance.

Baylor Genetics
Classification: Uncertain significance for Exostoses, multiple, type 2. Last evaluated: 2023-09-25. Review status: criteria provided, single submitter. Criteria: ACMG Guidelines, 2015. Collection method: clinical testing. Allele origin: unknown.

NM_207122.2(EXT2):c.1854C>G (p.Asn618Lys)

Gene: EXT2 (exostosin glycosyltransferase 2; plus strand). Cytogenetic location: 11p11.2.
Variant type: single nucleotide variant.
Coding change: c.1854C>G on transcript NM_207122.2 (MANE Select); coding-DNA position 1854, C replaced by G.
Protein change: p.Asn618Lys; replaces asparagine 618 with lysine.
Molecular consequence: missense variant.
Genome position (GRCh38, 1-based): chr11:44,234,162, C>G. VCF-style: chr11-44234162-C-G. GRCh37 (hg19) VCF-style: chr11-44255712-C-G.
Other names: c.1953C>G, p.Asn651Lys (NM_000401.3); c.1884C>G, p.Asn628Lys (NM_001178083.3); c.1854C>G, p.Asn618Lys (NM_001389628.1, NM_001389630.1); short protein forms N618K, N628K, N651K.
Identifiers: ClinVar variation 2675204 (VCV002675204.4), dbSNP rs1005343877, ClinGen allele CA221498124.